The following is an entry in ClinVar:

NM_001278512.2(AP3B2):c.228C>G (p.Pro76=)

Genes: AP3B2 (adaptor related protein complex 3 subunit beta 2; minus strand), CPEB1-AS1 (CPEB1 antisense RNA 1; plus strand). Cytogenetic location: 15q25.2.
Variant type: single nucleotide variant.
Coding change: c.228C>G on transcript NM_001278512.2 (MANE Select); coding-DNA position 228, C replaced by G.
Protein change: p.Pro76=; no amino-acid change (proline 76 retained).
Molecular consequence: synonymous variant.
Genome position (GRCh38, 1-based): chr15:82,689,194, G>C on the plus strand (C>G on the coding strand, the complement: AP3B2 is on the minus strand). VCF-style: chr15-82689194-G-C. GRCh37 (hg19) VCF-style: chr15-83357946-G-C.
Other names: c.228C>G, p.Pro76= (NM_001278511.2, NM_001348440.2, NM_004644.5).
Identifiers: ClinVar variation 1604107 (VCV001604107.31), dbSNP rs578240684, ClinGen allele CA7700559.
Genomic context (GRCh38, chr15:82,689,194, plus strand): 5'-AATCCCTCACCAGGTAGTGCTCACCTCTATGTTCTTACAGGCCACGTTCTTCACCACCGC[G>C]GGAAACAGGTCTGAAGCATTCTTTCCTCGGGCAATCATCTGGGTGGTGGGGTCAAGGTAG-3'
Protein context (NP_001265441.1, residues 66-86): ARGKNASDLF[Pro76=]AVVKNVACKN

ClinVar aggregate classification (germline): Likely benign. Review status: criteria provided, multiple submitters, no conflicts (2 of 4 stars). 2 submissions from 2 submitters: Likely benign (2). Last evaluated 2025-04-07.

Allele frequency attached by ClinVar (database versions not stated): 1000 Genomes Project 0.00040; 1000 Genomes Project 30x 0.00047.
gnomAD v4.1: 95 of 1,614,012 alleles (0.0059%); highest among the groups gnomAD compares: South Asian, 0.1%; 1 homozygote.

Submissions (2):

Labcorp Genetics (formerly Invitae), Labcorp
Classification: Likely benign. Last evaluated: 2025-04-07. Review status: criteria provided, single submitter. Criteria: Invitae Variant Classification Sherloc (09022015). Collection method: clinical testing. Allele origin: germline.

CeGaT Center for Human Genetics Tuebingen
Classification: Likely benign. Last evaluated: 2023-10-01. Review status: criteria provided, single submitter. Criteria: CeGaT Center For Human Genetics Tuebingen Variant Classification Criteria Version 2. Collection method: clinical testing. Allele origin: germline. Affected: yes. Observed: 1 variant allele.
Comment: AP3B2: BP4, BP7